The following is an entry in ClinVar:

NM_032043.3(BRIP1):c.462dup (p.Gln155fs)

Gene: BRIP1 (BRCA1 interacting DNA helicase 1; minus strand). Cytogenetic location: 17q23.2.
Variant type: Duplication.
Coding change: c.462dup on transcript NM_032043.3 (MANE Select); coding-DNA position 462, one base duplicated (T; older notation c.462dupT).
Protein change: p.Gln155fs; shifts the reading frame from glutamine 155.
Molecular consequence: frameshift variant.
Genome position (GRCh38, 1-based): chr17:61,849,174, A duplicated on the plus strand (T on the coding strand, the reverse complement: BRIP1 is on the minus strand); the first of 4 consecutive A bases (chr17:61,849,174-61,849,177); duplicating any one gives the same sequence. VCF-style (leftmost placement, unchanged base first): chr17-61849173-G-GA. GRCh37 (hg19) VCF-style: chr17-59926534-G-GA.
Other names: c.462dupT (NM_032043.2, NM_032043.3); short protein forms Q155fs.
Identifiers: ClinVar variation 573898 (VCV000573898.19), dbSNP rs1567868477, ClinGen allele CA891844430.

ClinVar aggregate classification (germline): Pathogenic/Likely pathogenic. Review status: criteria provided, multiple submitters, no conflicts (2 of 4 stars). 6 submissions from 6 submitters: Pathogenic (4); Likely pathogenic (2). Last evaluated 2026-01-23.

Conditions:
Hereditary cancer-predisposing syndrome. Also called: Hereditary neoplastic syndrome; Neoplastic Syndromes, Hereditary; Hereditary Cancer Syndrome; Tumor predisposition. Identifiers: Orphanet 140162, MedGen C0027672, MeSH D009386, MONDO:0015356.
Fanconi anemia complementation group J. Also called: BRIP1-Related Fanconi Anemia. Identifiers: Orphanet 84, MedGen C1836860, MONDO:0012187, OMIM 609054.
Familial cancer of breast. Also called: BREAST CANCER, FAMILIAL; hereditary breast carcinoma; Hereditary breast cancer. Identifiers: Orphanet 227535, MedGen C0346153, MONDO:0016419, OMIM 114480. Disease mechanism: loss of function.

Submissions (6):

Women's Health and Genetics/Laboratory Corporation of America, LabCorp
Classification: Pathogenic for Fanconi anemia complementation group J. Last evaluated: 2026-01-23. Review status: criteria provided, single submitter. Criteria: LabCorp Variant Classification Summary - May 2015. Collection method: clinical testing. Allele origin: germline.
Comment: Variant summary: BRIP1 c.462dupT (p.Gln155SerfsX17) results in a premature termination codon, predicted to cause a truncation of the encoded protein or absence of the protein due to nonsense mediated decay, which are commonly known mechanisms for disease. The variant was absent in 251316 control chromosomes. To our knowledge, no occurrence of c.462dupT in individuals affected with BRIP1-related conditions and no experimental evidence demonstrating its impact on protein function have been reported. ClinVar contains an entry for this variant (Variation ID: 573898). Based on the evidence outlined above, the variant was classified as pathogenic.

Labcorp Genetics (formerly Invitae), Labcorp
Classification: Pathogenic for Familial cancer of breast; Fanconi anemia complementation group J. Last evaluated: 2025-08-13. Review status: criteria provided, single submitter. Criteria: Invitae Variant Classification Sherloc (09022015). Collection method: clinical testing. Allele origin: germline.
Comment: This sequence change creates a premature translational stop signal (p.Gln155Serfs*17) in the BRIP1 gene. It is expected to result in an absent or disrupted protein product. Loss-of-function variants in BRIP1 are known to be pathogenic (PMID: 16116423, 17033622, 21964575). This variant is not present in population databases (gnomAD no frequency). This variant has not been reported in the literature in individuals affected with BRIP1-related conditions. ClinVar contains an entry for this variant (Variation ID: 573898). For these reasons, this variant has been classified as Pathogenic.

Fulgent Genetics
Classification: Likely pathogenic for Familial cancer of breast; Fanconi anemia complementation group J. Last evaluated: 2024-02-01. Review status: criteria provided, single submitter. Criteria: ACMG Guidelines, 2015. Collection method: clinical testing. Allele origin: germline.

Ambry Genetics
Classification: Pathogenic for Hereditary cancer-predisposing syndrome. Last evaluated: 2023-09-01. Review status: criteria provided, single submitter. Criteria: Ambry Variant Classification Scheme 2023. Collection method: clinical testing. Allele origin: germline.
Comment: The c.462dupT pathogenic mutation, located in coding exon 4 of the BRIP1 gene, results from a duplication of T at nucleotide position 462, causing a translational frameshift with a predicted alternate stop codon (p.Q155Sfs*17). This variant is considered to be rare based on population cohorts in the Genome Aggregation Database (gnomAD). This alteration is expected to result in loss of function by premature protein truncation or nonsense-mediated mRNA decay. As such, this alteration is interpreted as a disease-causing mutation.

Myriad Genetics, Inc.
Classification: Pathogenic for Familial cancer of breast. Last evaluated: 2023-05-31. Review status: criteria provided, single submitter. Criteria: Myriad Autosomal Dominant, Autosomal Recessive and X-Linked Classification Criteria (2023). Collection method: clinical testing. Allele origin: unknown.
Comment: This variant is considered pathogenic. This variant creates a frameshift predicted to result in premature protein truncation.

Baylor Genetics
Classification: Likely pathogenic for Familial cancer of breast. Last evaluated: 2022-12-02. Review status: criteria provided, single submitter. Criteria: ACMG Guidelines, 2015. Collection method: clinical testing. Allele origin: unknown.

Literature cited by the submitters: PubMed 16116423 (cited by Labcorp Genetics (formerly Invitae), Labcorp); PubMed 17033622 (cited by Labcorp Genetics (formerly Invitae), Labcorp); PubMed 21964575 (cited by Labcorp Genetics (formerly Invitae), Labcorp).